The following is an entry in ClinVar:

NM_000215.4(JAK3):c.3214G>C (p.Glu1072Gln)

Gene: JAK3 (Janus kinase 3; minus strand). Cytogenetic location: 19p13.11.
Variant type: single nucleotide variant.
Coding change: c.3214G>C on transcript NM_000215.4 (MANE Select); coding-DNA position 3214, G replaced by C.
Protein change: p.Glu1072Gln; replaces glutamic acid 1072 with glutamine.
Molecular consequence: missense variant.
Genome position (GRCh38, 1-based): chr19:17,826,904, C>G on the plus strand (G>C on the coding strand, the complement: JAK3 is on the minus strand). VCF-style: chr19-17826904-C-G. GRCh37 (hg19) VCF-style: chr19-17937713-C-G.
Other names: short protein forms E1072Q.
Identifiers: ClinVar variation 1475913 (VCV001475913.8), dbSNP rs752088869, ClinGen allele CA404763239.

ClinVar aggregate classification (germline): Uncertain significance (1 of 4 stars; one submission).

Conditions:
T-B+ severe combined immunodeficiency due to JAK3 deficiency. Also called: SCID, T CELL-NEGATIVE, B CELL-POSITIVE, NK CELL-NEGATIVE; SCID, autosomal recessive, T-negative/B-positive type. Identifiers: Orphanet 35078, MedGen C1833275, MONDO:0010938, OMIM 600802.

gnomAD v4.1: 2 of 1,609,648 alleles (0.00012%); highest among the groups gnomAD compares: East Asian, 0.0022%; no homozygotes.

Submission:

Labcorp Genetics (formerly Invitae), Labcorp
Classification: Uncertain significance for T-B+ severe combined immunodeficiency due to JAK3 deficiency. Last evaluated: 2021-05-18. Review status: criteria provided, single submitter. Criteria: Invitae Variant Classification Sherloc (09022015). Collection method: clinical testing. Allele origin: germline.
Comment: Advanced modeling of protein sequence and biophysical properties (such as structural, functional, and spatial information, amino acid conservation, physicochemical variation, residue mobility, and thermodynamic stability) performed at Invitae indicates that this missense variant is not expected to disrupt JAK3 protein function. This sequence change replaces glutamic acid with glutamine at codon 1072 of the JAK3 protein (p.Glu1072Gln). The glutamic acid residue is weakly conserved and there is a small physicochemical difference between glutamic acid and glutamine. This variant is not present in population databases (ExAC no frequency). This variant has not been reported in the literature in individuals with JAK3-related conditions. In summary, the available evidence is currently insufficient to determine the role of this variant in disease. Therefore, it has been classified as a Variant of Uncertain Significance.